The following is an entry in ClinVar:

NM_001303256.3(MORC2):c.2747+6T>C

Gene: MORC2 (MORC family CW-type zinc finger 2; minus strand). Cytogenetic location: 22q12.2.
Variant type: single nucleotide variant.
Coding change: c.2747+6T>C on transcript NM_001303256.3 (MANE Select); 6 bases into the intron after coding-DNA position 2747, T replaced by C.
Molecular consequence: intron variant.
Genome position (GRCh38, 1-based): chr22:30,932,539, A>G on the plus strand (T>C on the coding strand, the complement: MORC2 is on the minus strand). VCF-style: chr22-30932539-A-G. GRCh37 (hg19) VCF-style: chr22-31328526-A-G.
Other names: c.2747+6T>C (NM_001303257.2); c.2561+6T>C (NM_014941.3).
Identifiers: ClinVar variation 643268 (VCV000643268.12), dbSNP rs368417146, ClinGen allele CA10186576.

ClinVar aggregate classification (germline): Conflicting classifications of pathogenicity. Review status: criteria provided, conflicting classifications (1 of 4 stars). 2 submissions from 2 submitters: Uncertain significance (1); Likely benign (1). Last evaluated 2026-05-27.

Conditions:
Charcot-Marie-Tooth disease axonal type 2Z. Also called: CHARCOT-MARIE-TOOTH DISEASE, AXONAL, AUTOSOMAL DOMINANT, TYPE 2Z; CHARCOT-MARIE-TOOTH NEUROPATHY, TYPE 2Z. Identifiers: Orphanet 466768, MedGen C5569025, MONDO:0014736, OMIM 616688.
MORC2-related disorder. Also called: MORC2-related condition.

Allele frequency attached by ClinVar (database versions not stated): gnomAD 0.00001; TOPMed 0.00001; ExAC 0.00002; gnomAD exomes 0.00002; ESP Exome Variant Server 0.00008.
gnomAD v4.1: 18 of 1,612,062 alleles (0.0011%); highest among the groups gnomAD compares: Admixed American, 0.0033%; no homozygotes.

Submissions (2):

PreventionGenetics, part of Exact Sciences
Classification: Likely benign for MORC2-related condition. Last evaluated: 2026-05-27. Review status: criteria provided, single submitter. Criteria: ACMG Guidelines, 2015. Collection method: clinical testing. Allele origin: germline.
Comment: This variant is classified as likely benign based on ACMG/AMP sequence variant interpretation guidelines (Richards et al. 2015 PMID: 25741868, with internal and published modifications).

Labcorp Genetics (formerly Invitae), Labcorp
Classification: Uncertain significance for Charcot-Marie-Tooth disease axonal type 2Z. Last evaluated: 2025-11-18. Review status: criteria provided, single submitter. Criteria: Invitae Variant Classification Sherloc (09022015). Collection method: clinical testing. Allele origin: germline.
Comment: This sequence change falls in intron 23 of the MORC2 gene. It does not directly change the encoded amino acid sequence of the MORC2 protein. It affects a nucleotide within the consensus splice site. This variant is present in population databases (rs368417146, gnomAD 0.004%). This variant has not been reported in the literature in individuals affected with MORC2-related conditions. ClinVar contains an entry for this variant (Variation ID: 643268). Variants that disrupt the consensus splice site are a relatively common cause of aberrant splicing (PMID: 17576681, 9536098). Algorithms developed to predict the effect of sequence changes on RNA splicing suggest that this variant is not likely to affect RNA splicing. In summary, the available evidence is currently insufficient to determine the role of this variant in disease. Therefore, it has been classified as a Variant of Uncertain Significance.

Literature cited by the submitters: PubMed 17576681 (cited by Labcorp Genetics (formerly Invitae), Labcorp); PubMed 9536098 (cited by Labcorp Genetics (formerly Invitae), Labcorp).